The following is an entry in ClinVar:

ClinVar aggregate classification (germline): Uncertain significance. Review status: criteria provided, multiple submitters, no conflicts (2 of 4 stars). 2 submissions from 2 submitters: Uncertain significance (2). Last evaluated 2023-08-04.

Allele frequency attached by ClinVar (database versions not stated): gnomAD exomes below 0.00001; TOPMed 0.00001.
gnomAD v4.1: 1 of 1,614,170 alleles (0.000062%); highest among the groups gnomAD compares: Non-Finnish European, 0.000085%; no homozygotes.

Submissions (2):

Labcorp Genetics (formerly Invitae), Labcorp
Classification: Uncertain significance. Last evaluated: 2023-08-04. Review status: criteria provided, single submitter. Criteria: Invitae Variant Classification Sherloc (09022015). Collection method: clinical testing. Allele origin: germline.
Comment: In summary, the available evidence is currently insufficient to determine the role of this variant in disease. Therefore, it has been classified as a Variant of Uncertain Significance. Advanced modeling of protein sequence and biophysical properties (such as structural, functional, and spatial information, amino acid conservation, physicochemical variation, residue mobility, and thermodynamic stability) performed at Invitae indicates that this missense variant is expected to disrupt TWNK protein function. This variant has not been reported in the literature in individuals affected with TWNK-related conditions. This variant is not present in population databases (gnomAD no frequency). This sequence change replaces phenylalanine, which is neutral and non-polar, with tyrosine, which is neutral and polar, at codon 621 of the TWNK protein (p.Phe621Tyr).

Blueprint Genetics
Classification: Uncertain significance. Last evaluated: 2021-09-10. Review status: criteria provided, single submitter. Criteria: ACMG Guidelines, 2015. Collection method: clinical testing. Allele origin: germline.

NM_021830.5(TWNK):c.1862T>A (p.Phe621Tyr)

Gene: TWNK (twinkle mtDNA helicase; plus strand). Cytogenetic location: 10q24.31.
Variant type: single nucleotide variant.
Coding change: c.1862T>A on transcript NM_021830.5 (MANE Select); coding-DNA position 1862, T replaced by A.
Protein change: p.Phe621Tyr; replaces phenylalanine 621 with tyrosine.
Molecular consequence: missense variant. On other transcripts: 3 prime UTR variant (2), non-coding transcript variant (5).
Genome position (GRCh38, 1-based): chr10:100,993,317, T>A. VCF-style: chr10-100993317-T-A. GRCh37 (hg19) VCF-style: chr10-102753074-T-A.
Other names: c.*157T>A (NM_001163812.2, NM_001163814.2); c.500T>A, p.Phe167Tyr (NM_001163813.2, NM_001368275.1); short protein forms F167Y, F621Y.
Identifiers: ClinVar variation 2806048 (VCV002806048.4), dbSNP rs974370773, ClinGen allele CA212965382.